The following is an entry in ClinVar:

NM_014915.3(ANKRD26):c.1697A>G (p.Asp566Gly)

Gene: ANKRD26 (ankyrin repeat domain containing 26; minus strand). Cytogenetic location: 10p12.1.
Variant type: single nucleotide variant.
Coding change: c.1697A>G on transcript NM_014915.3 (MANE Select); coding-DNA position 1697, A replaced by G.
Protein change: p.Asp566Gly; replaces aspartic acid 566 with glycine.
Molecular consequence: missense variant.
Genome position (GRCh38, 1-based): chr10:27,048,918, T>C on the plus strand (A>G on the coding strand, the complement: ANKRD26 is on the minus strand). VCF-style: chr10-27048918-T-C. GRCh37 (hg19) VCF-style: chr10-27337847-T-C.
Other names: c.1697A>G, p.Asp566Gly (NM_001256053.2); short protein forms D566G.
Identifiers: ClinVar variation 3914517 (VCV003914517.1).

ClinVar aggregate classification (germline): Uncertain significance (1 of 4 stars; one submission).

Conditions:
Inborn genetic diseases. Identifiers: MedGen C0950123, MeSH D030342.

gnomAD v4.1: 6 of 1,611,884 alleles (0.00037%); highest among the groups gnomAD compares: Admixed American, 0.0033%; no homozygotes.

Submission:

Ambry Genetics
Classification: Uncertain significance for Inborn genetic diseases. Last evaluated: 2025-05-17. Review status: criteria provided, single submitter. Criteria: Ambry Variant Classification Scheme 2023. Collection method: clinical testing. Allele origin: germline.
Comment: The p.D566G variant (also known as c.1697A>G), located in coding exon 17 of the ANKRD26 gene, results from an A to G substitution at nucleotide position 1697. The aspartic acid at codon 566 is replaced by glycine, an amino acid with similar properties. This amino acid position is conserved. In addition, this alteration is predicted to be tolerated by in silico analysis. Based on the available evidence, the clinical significance of this variant remains unclear.